The following is an entry in ClinVar:

ClinVar aggregate classification (germline): Uncertain significance. Review status: criteria provided, multiple submitters, no conflicts (2 of 4 stars). 4 submissions from 4 submitters: Uncertain significance (3). 1 of the submissions does not count toward it. Last evaluated 2025-08-14.

Conditions:
Inborn genetic diseases. Identifiers: MedGen C0950123, MeSH D030342.
Nemaline myopathy 2 (NEM2). Also called: Nemaline myopathy 2, autosomal recessive. Identifiers: MedGen C1850569, MONDO:0009725, OMIM 256030.

Allele frequency attached by ClinVar (database versions not stated): ExAC 0.00001; gnomAD exomes 0.00002; gnomAD 0.00004; TOPMed 0.00005.
gnomAD v4.1: 18 of 1,610,926 alleles (0.0011%); highest among the groups gnomAD compares: Non-Finnish European, 0.0014%; no homozygotes.

Submissions (4):

Ambry Genetics
Classification: Uncertain significance for Inborn genetic diseases. Last evaluated: 2025-08-14. Review status: criteria provided, single submitter. Criteria: Ambry Variant Classification Scheme 2023. Collection method: clinical testing. Allele origin: germline.

Labcorp Genetics (formerly Invitae), Labcorp
Classification: Uncertain significance for Nemaline myopathy 2. Last evaluated: 2022-10-04. Review status: criteria provided, single submitter. Criteria: Invitae Variant Classification Sherloc (09022015). Collection method: clinical testing. Allele origin: germline.
Comment: This sequence change replaces alanine, which is neutral and non-polar, with glycine, which is neutral and non-polar, at codon 5597 of the NEB protein (p.Ala5597Gly). This variant is present in population databases (rs777969701, gnomAD 0.004%). This variant has not been reported in the literature in individuals affected with NEB-related conditions. ClinVar contains an entry for this variant (Variation ID: 465496). Algorithms developed to predict the effect of missense changes on protein structure and function are either unavailable or do not agree on the potential impact of this missense change (SIFT: "Deleterious"; PolyPhen-2: "Not Available"; Align-GVGD: "Class C0"). In summary, the available evidence is currently insufficient to determine the role of this variant in disease. Therefore, it has been classified as a Variant of Uncertain Significance.

Revvity Omics, Revvity
Classification: Uncertain significance. Last evaluated: 2019-08-08. Review status: criteria provided, single submitter. Criteria: ACMG Guidelines, 2015. Collection method: clinical testing. Allele origin: germline.

Natera, Inc.
Classification: Uncertain significance for Nemaline myopathy type 2. Last evaluated: 2019-11-11. Review status: no assertion criteria provided. Collection method: clinical testing. Allele origin: germline. Not counted in ClinVar's aggregate classification.

NM_001164508.2(NEB):c.16790C>G (p.Ala5597Gly)

Gene: NEB (nebulin; minus strand). Cytogenetic location: 2q23.3.
Variant type: single nucleotide variant.
Coding change: c.16790C>G on transcript NM_001164508.2 (MANE Select); coding-DNA position 16790, C replaced by G.
Protein change: p.Ala5597Gly; replaces alanine 5597 with glycine.
Molecular consequence: missense variant.
Genome position (GRCh38, 1-based): chr2:151,576,269, G>C on the plus strand (C>G on the coding strand, the complement: NEB is on the minus strand). VCF-style: chr2-151576269-G-C. GRCh37 (hg19) VCF-style: chr2-152432783-G-C.
Other names: c.16790C>G, p.Ala5597Gly (NM_001164507.2, NM_001271208.2); c.11687C>G, p.Ala3896Gly (NM_004543.5); c.11687C>G (NM_004543.4); short protein forms A5597G, A3896G.
Identifiers: ClinVar variation 465496 (VCV000465496.11), dbSNP rs777969701, ClinGen allele CA1908383.